The following is an entry in ClinVar:

NM_145239.3(PRRT2):c.880-1G>C

Genes: MVP-DT (MVP divergent transcript; minus strand), PRRT2 (proline rich transmembrane protein 2; plus strand). Cytogenetic location: 16p11.2.
Variant type: single nucleotide variant.
Coding change: c.880-1G>C on transcript NM_145239.3 (MANE Select); the canonical splice acceptor site of the intron before coding-DNA position 880, G replaced by C.
Molecular consequence: splice acceptor variant. On other transcripts: 3 prime UTR variant (1).
Genome position (GRCh38, 1-based): chr16:29,814,332, G>C. VCF-style: chr16-29814332-G-C. GRCh37 (hg19) VCF-style: chr16-29825653-G-C.
Other names: c.*378G>C (NM_001256443.2); c.880-1G>C (NM_001256442.2).
Identifiers: ClinVar variation 1436837 (VCV001436837.8), dbSNP rs1596893952, ClinGen allele CA395480453.
Genomic context (GRCh38, chr16:29,814,332, plus strand): 5'-CCTTCTGGGCTGGCTTCTCCTGACCCCGGCTATGTGCCTCCACCCCTCGCCCTAACCCCA[G>C]TCCCGGAACAGCCTGCAGCAGGGGGACGTGGACGGGGCCCAGCGTCTGGGCCGGGTAGCC-3'

ClinVar aggregate classification (germline): Pathogenic (1 of 4 stars; one submission).

Conditions:
Episodic kinesigenic dyskinesia (EKD). Also called: Paroxysmal kinesigenic dyskinesia. Identifiers: Orphanet 98809, MedGen C1868682, MONDO:0044202.

Submission:

Labcorp Genetics (formerly Invitae), Labcorp
Classification: Pathogenic for Episodic kinesigenic dyskinesia. Last evaluated: 2023-08-30. Review status: criteria provided, single submitter. Criteria: Invitae Variant Classification Sherloc (09022015). Collection method: clinical testing. Allele origin: germline.
Comment: Disruption of this splice site has been observed in individuals with PRRT2-related conditions (PMID: 29132464; Invitae). For these reasons, this variant has been classified as Pathogenic. Algorithms developed to predict the effect of sequence changes on RNA splicing suggest that this variant may disrupt the consensus splice site. ClinVar contains an entry for this variant (Variation ID: 1436837). This variant is not present in population databases (gnomAD no frequency). This sequence change affects an acceptor splice site in intron 2 of the PRRT2 gene. It is expected to disrupt RNA splicing. Variants that disrupt the donor or acceptor splice site typically lead to a loss of protein function (PMID: 16199547), and loss-of-function variants in PRRT2 are known to be pathogenic (PMID: 22623405, 22744660).

Literature cited by the submitters: PubMed 29132464; PubMed 16199547; PubMed 22623405; PubMed 22744660.